The following is an entry in ClinVar:

ClinVar aggregate classification (germline): Conflicting classifications of pathogenicity. Review status: criteria provided, conflicting classifications (1 of 4 stars). 11 submissions from 11 submitters: Uncertain significance (1); Benign (1); Likely benign (7). 2 of the submissions do not count toward it. Last evaluated 2026-04-01.

Conditions:
SMARCA4-related disorder. Also called: SMARCA4-related condition.
Hereditary cancer-predisposing syndrome. Also called: Tumor predisposition; Hereditary neoplastic syndrome; Hereditary Cancer Syndrome; Neoplastic Syndromes, Hereditary. Identifiers: Orphanet 140162, MedGen C0027672, MeSH D009386, MONDO:0015356.
Intellectual disability, autosomal dominant 16 (CSS4). Also called: COFFIN-SIRIS SYNDROME 4. Identifiers: Orphanet 1465, MedGen C3553249, MONDO:0013821, OMIM 614609.
Rhabdoid tumor predisposition syndrome 2 (RTPS2). Identifiers: Orphanet 231108, Orphanet 69077, MedGen C2750074, MONDO:0013224, OMIM 613325.

Allele frequency attached by ClinVar (database versions not stated): gnomAD exomes 0.00027 and 0.00012; ExAC 0.00030; ESP Exome Variant Server 0.00093; gnomAD 0.00106 and 0.00116; TOPMed 0.00129; 1000 Genomes Project 30x 0.00016; 1000 Genomes Project 0.00020.
gnomAD v4.1: 339 of 1,612,686 alleles (0.021%); highest among the groups gnomAD compares: African/African-American, 0.36%; no homozygotes.

Submissions (11):

CeGaT Center for Human Genetics Tuebingen
Classification: Likely benign. Last evaluated: 2026-04-01. Review status: criteria provided, single submitter. Criteria: CeGaT Center For Human Genetics Tuebingen Variant Classification Criteria Version 2. Collection method: clinical testing. Allele origin: germline. Affected: yes. Observed: 1 variant allele.
Comment: SMARCA4: BS1

Labcorp Genetics (formerly Invitae), Labcorp
Classification: Benign for Rhabdoid tumor predisposition syndrome 2. Last evaluated: 2026-02-03. Review status: criteria provided, single submitter. Criteria: Invitae Variant Classification Sherloc (09022015). Collection method: clinical testing. Allele origin: germline.

Myriad Genetics, Inc.
Classification: Likely benign for Rhabdoid tumor predisposition syndrome 2. Last evaluated: 2026-01-08. Review status: criteria provided, single submitter. Criteria: Myriad Autosomal Dominant, Autosomal Recessive and X-Linked Classification Criteria (2023). Collection method: clinical testing. Allele origin: unknown.
Comment: This variant is considered likely benign. Homozygosity has been confirmed in one or more individuals. As homozygosity for pathogenic variants in this gene is generally assumed to result in embryonic lethality, this variant is unlikely to be pathogenic.

ARUP Laboratories, Molecular Genetics and Genomics, ARUP Laboratories
Classification: Likely benign. Last evaluated: 2024-02-15. Review status: criteria provided, single submitter. Criteria: ARUP Molecular Germline Variant Investigation Process 2024. Collection method: clinical testing. Allele origin: germline.

Genome-Nilou Lab
Classification: Likely benign for Intellectual disability, autosomal dominant 16. Last evaluated: 2021-07-15. Review status: criteria provided, single submitter. Criteria: ACMG Guidelines, 2015. Collection method: clinical testing. Allele origin: germline. Affected: no.

Sema4
Classification: Likely benign for Hereditary cancer-predisposing syndrome. Last evaluated: 2021-01-08. Review status: criteria provided, single submitter. Criteria: Sema4 Curation Guidelines. Collection method: curation. Allele origin: germline.

Mendelics
Classification: Likely benign for Rhabdoid tumor predisposition syndrome 2. Last evaluated: 2019-05-28. Review status: criteria provided, single submitter. Criteria: Mendelics Assertion Criteria 2017. Collection method: clinical testing. Allele origin: unknown.

Ambry Genetics
Classification: Likely benign for Hereditary cancer-predisposing syndrome. Last evaluated: 2019-03-29. Review status: criteria provided, single submitter. Criteria: Ambry Variant Classification Scheme 2023. Collection method: clinical testing. Allele origin: germline.

GeneDx
Classification: Uncertain significance. Last evaluated: 2016-09-29. Review status: criteria provided, single submitter. Criteria: GeneDx Variant Classification (06012015). Collection method: clinical testing. Allele origin: germline. Affected: yes.
Comment: This variant is denoted SMARCA4 c.76G>A at the cDNA level, p.Ala26Thr (A26T) at the protein level, and results in the change of an Alanine to a Threonine (GCC>ACC). This variant was identified in 1/236 healthy Hispanic individuals undergoing whole genome sequencing (Bodian 2014). SMARCA4 Ala26Thr was observed with an allele frequency of 0.3% (12/4378) in African Americans in the NHLBI Exome Sequencing Project. Since Alanine and Threonine differ in polarity, charge, size or other properties, this is considered a non-conservative amino acid substitution. SMARCA4 Ala26Thr occurs at a position that is conserved in mammals and is located within the region of interaction with SS18L1/CREST (UniProt). In silico analyses are inconsistent regarding the effect this variant may have on protein structure and function. Based on currently available evidence, it is unclear whether SMARCA4 Ala26Thr is a pathogenic or benign variant. We consider it to be a variant of uncertain significance.

PreventionGenetics, part of Exact Sciences
Classification: Likely benign for SMARCA4-related condition. Last evaluated: 2019-09-26. Review status: no assertion criteria provided. Collection method: clinical testing. Allele origin: germline. Not counted in ClinVar's aggregate classification.
Comment: This variant is classified as likely benign based on ACMG/AMP sequence variant interpretation guidelines (Richards et al. 2015 PMID: 25741868, with internal and published modifications).

ITMI
No classification provided. Condition: AllHighlyPenetrant. Last evaluated: 2013-09-19. Review status: no classification provided. Collection method: reference population. Allele origin: germline. Not counted in ClinVar's aggregate classification.
Comment: Please see associated publication for description of ethnicities

Literature cited by the submitters: PubMed 24728327 (cited by ITMI).

NM_003072.5(SMARCA4):c.76G>A (p.Ala26Thr)

Gene: SMARCA4 (SWI/SNF related BAF chromatin remodeling complex subunit ATPase 4; plus strand). Cytogenetic location: 19p13.2.
Variant type: single nucleotide variant.
Coding change: c.76G>A on transcript NM_003072.5 (MANE Select); coding-DNA position 76, G replaced by A.
Protein change: p.Ala26Thr; replaces alanine 26 with threonine.
Molecular consequence: missense variant. On other transcripts: non-coding transcript variant (1).
Genome position (GRCh38, 1-based): chr19:10,984,227, G>A. VCF-style: chr19-10984227-G-A. GRCh37 (hg19) VCF-style: chr19-11094903-G-A.
Other names: c.76G>A, p.Ala26Thr (NM_001128844.3, NM_001128845.2, NM_001128846.2 and 5 more transcripts); short protein forms A26T.
Identifiers: ClinVar variation 135246 (VCV000135246.27), dbSNP rs145867502, ClinGen allele CA162137.